The following is an entry in ClinVar:

ClinVar aggregate classification (germline): Uncertain significance (1 of 4 stars; one submission).

Conditions:
Periventricular nodular heterotopia 7 (PVNH7). Identifiers: MedGen C4310669, MONDO:0014966, OMIM 617201.

Allele frequency attached by ClinVar (database versions not stated): gnomAD exomes 0.00002; gnomAD 0.00003; TOPMed 0.00003.
gnomAD v4.1: 18 of 984,974 alleles (0.0018%); highest among the groups gnomAD compares: Non-Finnish European, 0.0022%; no homozygotes.

Submission:

Centre for Mendelian Genomics, University Medical Centre Ljubljana
Classification: Uncertain significance for Periventricular nodular heterotopia 7. Last evaluated: 2019-08-16. Review status: criteria provided, single submitter. Criteria: ACMG Guidelines, 2015. Collection method: clinical testing. Allele origin: unknown. Affected: yes.
Comment: This variant was classified as: Uncertain significance. The available evidence on this variant's pathogenicity is insufficient or conflicting. The following ACMG criteria were applied in classifying this variant: PM2.

NM_001144967.3(NEDD4L):c.123-23683G>A

Gene: NEDD4L (NEDD4 like E3 ubiquitin protein ligase; plus strand). Cytogenetic location: 18q21.31.
Variant type: single nucleotide variant.
Coding change: c.123-23683G>A on transcript NM_001144967.3 (MANE Select); 23683 bases into the intron before coding-DNA position 123, G replaced by A.
Molecular consequence: intron variant. On other transcripts: 5 prime UTR variant (1).
Genome position (GRCh38, 1-based): chr18:58,221,744, G>A. VCF-style: chr18-58221744-G-A. GRCh37 (hg19) VCF-style: chr18-55888976-G-A.
Other names: c.-255G>A (NM_001144966.3); c.123-23683G>A (NM_015277.6, NM_001243960.2); c.-241-23683G>A (NM_001144964.1, NM_001144965.2, NM_001144970.3); c.-319-6086G>A (NM_001144971.2); c.99-23683G>A (NM_001144968.2, NM_001144969.2).
Identifiers: ClinVar variation 930380 (VCV000930380.3), dbSNP rs1399115202, ClinGen allele CA780846953.